The following is an entry in ClinVar:

NM_182961.4(SYNE1):c.13011A>T (p.Gln4337His)

Gene: SYNE1 (spectrin repeat containing nuclear envelope protein 1; minus strand). Cytogenetic location: 6q25.2.
Variant type: single nucleotide variant.
Coding change: c.13011A>T on transcript NM_182961.4 (MANE Select); coding-DNA position 13011, A replaced by T.
Protein change: p.Gln4337His; replaces glutamine 4337 with histidine.
Molecular consequence: missense variant.
Genome position (GRCh38, 1-based): chr6:152,331,674, T>A on the plus strand (A>T on the coding strand, the complement: SYNE1 is on the minus strand). VCF-style: chr6-152331674-T-A. GRCh37 (hg19) VCF-style: chr6-152652809-T-A.
Other names: c.12798A>T, p.Gln4266His (NM_033071.5); short protein forms Q4337H, Q4266H.
Identifiers: ClinVar variation 2047629 (VCV002047629.4), dbSNP rs1304123182, ClinGen allele CA366103013.
Genomic context (GRCh38, chr6:152,331,674, plus strand): 5'-CATTAGCTCCTGAAATCTGGACTGCACCACATTTAACTCCTCCAAGTTGGTGACTGACAC[T>A]TGGATTTTCCTTTTAATGAGGTCCTCAAGCTGAAACCAACGTTGCTCTAAATGACTCGTC-3'
Protein context (NP_892006.3, residues 4327-4347): QLEDLIKRKI[Gln4337His]VSVTNLEELN

ClinVar aggregate classification (germline): Uncertain significance (1 of 4 stars; one submission).

Conditions:
Emery-Dreifuss muscular dystrophy 4, autosomal dominant (EDMD4). Also called: EMERY-DREIFUSS MUSCULAR DYSTROPHY 4 WITH VARIABLE FEATURES. Identifiers: Orphanet 261, MedGen C2751807, MONDO:0013071, OMIM 612998.
Autosomal recessive ataxia, Beauce type. Also called: SYNE1 Deficiency; Spinocerebellar ataxia, autosomal recessive 8; ATAXIA, RECESSIVE, OF BEAUCE; SYNE1-Related Autosomal Recessive Cerebellar Ataxia. Identifiers: Orphanet 88644, MedGen C1853116, MONDO:0012549, OMIM 610743.

gnomAD v4.1: 2 of 1,614,208 alleles (0.00012%); highest among the groups gnomAD compares: Admixed American, 0.0033%; no homozygotes.

Submission:

Labcorp Genetics (formerly Invitae), Labcorp
Classification: Uncertain significance for Emery-Dreifuss muscular dystrophy 4, autosomal dominant; Autosomal recessive ataxia, Beauce type. Last evaluated: 2022-03-20. Review status: criteria provided, single submitter. Criteria: Invitae Variant Classification Sherloc (09022015). Collection method: clinical testing. Allele origin: germline.
Comment: This sequence change replaces glutamine, which is neutral and polar, with histidine, which is basic and polar, at codon 4266 of the SYNE1 protein (p.Gln4266His). In summary, the available evidence is currently insufficient to determine the role of this variant in disease. Therefore, it has been classified as a Variant of Uncertain Significance. Algorithms developed to predict the effect of missense changes on protein structure and function are either unavailable or do not agree on the potential impact of this missense change (SIFT: "Deleterious"; PolyPhen-2: "Possibly Damaging"; Align-GVGD: "Class C15"). This variant has not been reported in the literature in individuals affected with SYNE1-related conditions. This variant is present in population databases (no rsID available, gnomAD 0.006%).